The following is an entry in ClinVar:

NM_024298.5(MBOAT7):c.456A>G (p.Thr152=)

Gene: MBOAT7 (membrane bound acylglycerophosphatidylinositol O-acyltransferase MBOAT7; minus strand). Cytogenetic location: 19q13.42.
Variant type: single nucleotide variant.
Coding change: c.456A>G on transcript NM_024298.5 (MANE Select); coding-DNA position 456, A replaced by G.
Protein change: p.Thr152=; no amino-acid change (threonine 152 retained).
Molecular consequence: synonymous variant.
Genome position (GRCh38, 1-based): chr19:54,183,558, T>C on the plus strand (A>G on the coding strand, the complement: MBOAT7 is on the minus strand). VCF-style: chr19-54183558-T-C. GRCh37 (hg19) VCF-style: chr19-54687441-T-C.
Other names: c.237A>G, p.Thr79= (NM_001146056.3, NM_001146083.3); c.456A>G, p.Thr152= (NM_001146082.3).
Identifiers: ClinVar variation 4822598 (VCV004822598.4).

ClinVar aggregate classification (germline): Likely benign (1 of 4 stars; one submission).

gnomAD v4.1: 2 of 1,607,900 alleles (0.00012%); highest among the groups gnomAD compares: Admixed American, 0.0034%; no homozygotes.

Submission:

CeGaT Center for Human Genetics Tuebingen
Classification: Likely benign. Last evaluated: 2026-01-01. Review status: criteria provided, single submitter. Criteria: CeGaT Center For Human Genetics Tuebingen Variant Classification Criteria Version 2. Collection method: clinical testing. Allele origin: germline. Affected: yes. Observed: 1 variant allele.
Comment: MBOAT7: BP4, BP7